The following is an entry in ClinVar:

NM_006949.4(STXBP2):c.1236C>G (p.Leu412=)

Gene: STXBP2 (syntaxin binding protein 2; plus strand). Cytogenetic location: 19p13.2.
Variant type: single nucleotide variant.
Coding change: c.1236C>G on transcript NM_006949.4 (MANE Select); coding-DNA position 1236, C replaced by G.
Protein change: p.Leu412=; no amino-acid change (leucine 412 retained).
Molecular consequence: synonymous variant. On other transcripts: non-coding transcript variant (1).
Genome position (GRCh38, 1-based): chr19:7,644,742, C>G. VCF-style: chr19-7644742-C-G. GRCh37 (hg19) VCF-style: chr19-7709628-C-G.
Other names: c.1227C>G, p.Leu409= (NM_001127396.3); c.1269C>G, p.Leu423= (NM_001272034.2); c.1140C>G, p.Leu380= (NM_001414484.1).
Identifiers: ClinVar variation 4987572 (VCV004987572.1).
Genomic context (GRCh38, chr19:7,644,742, plus strand): 5'-GCTGCTGGACGCGGCGGTGCCCGCCTACGACAAGATCCGGGTCCTGCTGCTCTACATCCT[C>G]CTTCGGAATGGTGGGTGGGGGCTGCAGGGAGTTGGAACGTCCCCATTTGCCAGCGTCTCC-3'
Protein context (NP_008880.2, residues 402-422): DKIRVLLLYI[Leu412=]LRNGVSEENL

ClinVar aggregate classification (germline): Likely benign (1 of 4 stars; one submission).

Conditions:
STXBP2-related disorder. Also called: STXBP2-related condition.

Submission:

PreventionGenetics, part of Exact Sciences
Classification: Likely benign for STXBP2-related condition. Last evaluated: 2025-12-01. Review status: criteria provided, single submitter. Criteria: ACMG Guidelines, 2015. Collection method: clinical testing. Allele origin: germline.
Comment: This variant is classified as likely benign based on ACMG/AMP sequence variant interpretation guidelines (Richards et al. 2015 PMID: 25741868, with internal and published modifications).